The following is an entry in ClinVar:

ClinVar aggregate classification (germline): Uncertain significance (1 of 4 stars; one submission).

Conditions:
RASopathy. Also called: rasopathies; Noonan spectrum disorder. Identifiers: Orphanet 536391, MedGen C5555857, MONDO:0021060.

Allele frequency attached by ClinVar (database versions not stated): gnomAD exomes below 0.00001; gnomAD 0.00001; TOPMed 0.00001.
gnomAD v4.1: 2 of 1,614,072 alleles (0.00012%); highest among the groups gnomAD compares: East Asian, 0.0022%; no homozygotes.

Submission:

Labcorp Genetics (formerly Invitae), Labcorp
Classification: Uncertain significance for RASopathy. Last evaluated: 2025-06-02. Review status: criteria provided, single submitter. Criteria: Invitae Variant Classification Sherloc (09022015). Collection method: clinical testing. Allele origin: germline.
Comment: This sequence change replaces proline, which is neutral and non-polar, with serine, which is neutral and polar, at codon 596 of the CBL protein (p.Pro596Ser). This variant is not present in population databases (gnomAD no frequency). This variant has not been reported in the literature in individuals affected with CBL-related conditions. ClinVar contains an entry for this variant (Variation ID: 1418652). Invitae Evidence Modeling of protein sequence and biophysical properties (such as structural, functional, and spatial information, amino acid conservation, physicochemical variation, residue mobility, and thermodynamic stability) indicates that this missense variant is not expected to disrupt CBL protein function with a negative predictive value of 95%. In summary, the available evidence is currently insufficient to determine the role of this variant in disease. Therefore, it has been classified as a Variant of Uncertain Significance.

NM_005188.4(CBL):c.1786C>T (p.Pro596Ser)

Gene: CBL (Cbl proto-oncogene; plus strand). Cytogenetic location: 11q23.3.
Variant type: single nucleotide variant.
Coding change: c.1786C>T on transcript NM_005188.4 (MANE Select); coding-DNA position 1786, C replaced by T.
Protein change: p.Pro596Ser; replaces proline 596 with serine.
Molecular consequence: missense variant.
Genome position (GRCh38, 1-based): chr11:119,285,411, C>T. VCF-style: chr11-119285411-C-T. GRCh37 (hg19) VCF-style: chr11-119156121-C-T.
Other names: short protein forms P596S.
Identifiers: ClinVar variation 1418652 (VCV001418652.6), dbSNP rs1304284873, ClinGen allele CA382920347.
Genomic context (GRCh38, chr11:119,285,411, plus strand): 5'-GACAAACTGCCCCCTGTCCCCTCTAGCCGCCTTGGAGACTCATGGCTGCCCCGGCCAATC[C>T]CCAAAGTACCAGTATCTGCCCCAAGTTCCAGTGATCCCTGGACAGGAAGAGAATTAACCA-3'
Protein context (NP_005179.2, residues 586-606): LGDSWLPRPI[Pro596Ser]KVPVSAPSSS